The following is an entry in ClinVar:

NM_003055.3(SLC18A3):c.524A>G (p.Tyr175Cys)

Genes: CHAT (choline O-acetyltransferase; plus strand), SLC18A3 (solute carrier family 18 member A3; plus strand). Cytogenetic location: 10q11.23.
Variant type: single nucleotide variant.
Coding change: c.524A>G on transcript NM_003055.3 (MANE Select); coding-DNA position 524, A replaced by G.
Protein change: p.Tyr175Cys; replaces tyrosine 175 with cysteine.
Molecular consequence: missense variant. On other transcripts: intron variant (1).
Genome position (GRCh38, 1-based): chr10:49,611,264, A>G. VCF-style: chr10-49611264-A-G. GRCh37 (hg19) VCF-style: chr10-50819310-A-G.
Other names: c.-69+2065A>G (NM_020984.4); short protein forms Y175C.
Identifiers: ClinVar variation 1389007 (VCV001389007.4), dbSNP rs994097455, ClinGen allele CA206621043.
Genomic context (GRCh38, chr10:49,611,264, plus strand): 5'-TGCTGATCGGCCTGGGCGTCATGTTCGCCTCTACAGTCCTGTTCGCCTTCGCCGAGGACT[A>G]CGCCACGCTGTTCGCGGCGCGCAGCCTGCAGGGCCTGGGCTCAGCCTTCGCCGACACGTC-3'
Protein context (NP_003046.2, residues 165-185): STVLFAFAED[Tyr175Cys]ATLFAARSLQ

ClinVar aggregate classification (germline): Uncertain significance (1 of 4 stars; one submission).

Allele frequency attached by ClinVar (database versions not stated): TOPMed 0.00001; gnomAD exomes 0.00001.
gnomAD v4.1: 3 of 1,612,496 alleles (0.00019%); highest among the groups gnomAD compares: Admixed American, 0.005%; no homozygotes.

Submission:

Labcorp Genetics (formerly Invitae), Labcorp
Classification: Uncertain significance. Last evaluated: 2022-07-26. Review status: criteria provided, single submitter. Criteria: Invitae Variant Classification Sherloc (09022015). Collection method: clinical testing. Allele origin: germline.
Comment: This sequence change replaces tyrosine, which is neutral and polar, with cysteine, which is neutral and slightly polar, at codon 175 of the SLC18A3 protein (p.Tyr175Cys). This variant is present in population databases (no rsID available, gnomAD 0.006%). This variant has not been reported in the literature in individuals affected with SLC18A3-related conditions. ClinVar contains an entry for this variant (Variation ID: 1389007). Algorithms developed to predict the effect of missense changes on protein structure and function (SIFT, PolyPhen-2, Align-GVGD) all suggest that this variant is likely to be disruptive. In summary, the available evidence is currently insufficient to determine the role of this variant in disease. Therefore, it has been classified as a Variant of Uncertain Significance.